The following is an entry in ClinVar:

ClinVar aggregate classification (germline): Uncertain significance (1 of 4 stars; one submission).

Submission:

Labcorp Genetics (formerly Invitae), Labcorp
Classification: Uncertain significance. Last evaluated: 2025-07-09. Review status: criteria provided, single submitter. Criteria: Invitae Variant Classification Sherloc (09022015). Collection method: clinical testing. Allele origin: germline.
Comment: This sequence change replaces arginine, which is basic and polar, with histidine, which is basic and polar, at codon 276 of the ANKZF1 protein (p.Arg276His). This variant is present in population databases (rs370478327, gnomAD 0.008%). This variant has not been reported in the literature in individuals affected with ANKZF1-related conditions. An algorithm developed to predict the effect of missense changes on protein structure and function (PolyPhen-2) suggests that this variant is likely to be tolerated. In summary, the available evidence is currently insufficient to determine the role of this variant in disease. Therefore, it has been classified as a Variant of Uncertain Significance.

NM_018089.3(ANKZF1):c.827G>A (p.Arg276His)

Gene: ANKZF1 (ankyrin repeat and zinc finger peptidyl tRNA hydrolase 1; plus strand). Cytogenetic location: 2q35.
Variant type: single nucleotide variant.
Coding change: c.827G>A on transcript NM_018089.3 (MANE Select); coding-DNA position 827, G replaced by A.
Protein change: p.Arg276His; replaces arginine 276 with histidine.
Molecular consequence: missense variant.
Genome position (GRCh38, 1-based): chr2:219,233,722, G>A. VCF-style: chr2-219233722-G-A. GRCh37 (hg19) VCF-style: chr2-220098444-G-A.
Other names: c.827G>A, p.Arg276His (NM_001042410.2); c.197G>A, p.Arg66His (NM_001282792.2); short protein forms R276H, R66H.
Identifiers: ClinVar variation 4754349 (VCV004754349.1).